The following is an entry in ClinVar:

ClinVar aggregate classification (germline): Uncertain significance (1 of 4 stars; one submission).

Conditions:
RECQL5-related disorder. Also called: RECQL5-related condition.

Allele frequency attached by ClinVar (database versions not stated): ExAC 0.00002; gnomAD 0.00004; TOPMed 0.00004; gnomAD exomes 0.00005.
gnomAD v4.1: 84 of 1,613,980 alleles (0.0052%); highest among the groups gnomAD compares: Non-Finnish European, 0.0069%; no homozygotes.

Submission:

PreventionGenetics, part of Exact Sciences
Classification: Uncertain significance for RECQL5-related condition. Last evaluated: 2023-01-06. Review status: criteria provided, single submitter. Criteria: ACMG Guidelines, 2015. Collection method: clinical testing. Allele origin: germline.
Comment: The RECQL5 c.112A>G variant is predicted to result in the amino acid substitution p.Thr38Ala. To our knowledge, this variant has not been reported in the literature. This variant is reported in 0.0046% of alleles in individuals of European (Non-Finnish) descent in gnomAD. At this time, the clinical significance of this variant is uncertain due to the absence of conclusive functional and genetic evidence.

NM_004259.7(RECQL5):c.112A>G (p.Thr38Ala)

Genes: RECQL5 (RecQ like helicase 5; minus strand), LOC126862642 (BRD4-independent group 4 enhancer GRCh37_chr17:73662359-73663558; plus strand). Cytogenetic location: 17q25.1.
Variant type: single nucleotide variant.
Coding change: c.112A>G on transcript NM_004259.7 (MANE Select); coding-DNA position 112, A replaced by G.
Protein change: p.Thr38Ala; replaces threonine 38 with alanine.
Molecular consequence: missense variant.
Genome position (GRCh38, 1-based): chr17:75,666,446, T>C on the plus strand (A>G on the coding strand, the complement: RECQL5 is on the minus strand). VCF-style: chr17-75666446-T-C. GRCh37 (hg19) VCF-style: chr17-73662526-T-C.
Other names: c.112A>G, p.Thr38Ala (NM_001003715.4, NM_001003716.4); short protein forms T38A.
Identifiers: ClinVar variation 2628521 (VCV002628521.1), dbSNP rs747371486, ClinGen allele CA8768042.
Genomic context (GRCh38, chr17:75,666,446, plus strand): 5'-TAGCCAGCATAAATTTAAAGGAAGGTAGCTTGGTAATGTTACCTTTTACTACAGCCATGG[T>C]CGCACTCTCCTGTAAAGGCGTCTTAAAAGAGTCAAACCCAAAGACCTTCTTCAGCGTACT-3'
Protein context (NP_004250.4, residues 28-48): SFKTPLQESA[Thr38Ala]MAVVKGNKDV